The following is an entry in ClinVar:

NM_001148.6(ANK2):c.11321T>C (p.Val3774Ala)

Gene: ANK2 (ankyrin 2; plus strand). Cytogenetic location: 4q26.
Variant type: single nucleotide variant.
Coding change: c.11321T>C on transcript NM_001148.6 (MANE Select); coding-DNA position 11321, T replaced by C.
Protein change: p.Val3774Ala; replaces valine 3774 with alanine.
Molecular consequence: missense variant.
Genome position (GRCh38, 1-based): chr4:113,369,516, T>C. VCF-style: chr4-113369516-T-C. GRCh37 (hg19) VCF-style: chr4-114290672-T-C.
Other names: c.4781T>C, p.Val1594Ala (NM_001386151.1, NM_001354260.2, NM_001354271.2); c.5039T>C, p.Val1680Ala (NM_001127493.3); c.5078T>C, p.Val1693Ala (NM_001354225.2); c.4967T>C, p.Val1656Ala (NM_001354228.2, NM_001354258.2); c.5045T>C, p.Val1682Ala (NM_001354230.2); c.5108T>C, p.Val1703Ala (NM_001354231.2, NM_001354242.2); c.5102T>C, p.Val1701Ala (NM_001354232.2); c.5063T>C, p.Val1688Ala (NM_001354235.2, NM_001354246.2, NM_001354265.2); and 35 more; short protein forms V1589A, V1602A, V1618A, V1631A, V1635A, V1637A, V1655A, V1656A.
Identifiers: ClinVar variation 1728664 (VCV001728664.2), dbSNP rs2154065748, ClinGen allele CA357942470.

ClinVar aggregate classification (germline): Uncertain significance (1 of 4 stars; one submission).

Conditions:
Cardiovascular phenotype. Identifiers: MedGen CN230736.

Submission:

Ambry Genetics
Classification: Uncertain significance for Cardiovascular phenotype. Last evaluated: 2021-01-07. Review status: criteria provided, single submitter. Criteria: Ambry Variant Classification Scheme 2023. Collection method: clinical testing. Allele origin: germline.
Comment: The p.V3774A variant (also known as c.11321T>C), located in coding exon 43 of the ANK2 gene, results from a T to C substitution at nucleotide position 11321. The valine at codon 3774 is replaced by alanine, an amino acid with similar properties. This amino acid position is highly conserved in available vertebrate species. In addition, this alteration is predicted to be deleterious by in silico analysis. Since supporting evidence is limited at this time, the clinical significance of this alteration remains unclear.